The following is an entry in ClinVar:

ClinVar aggregate classification (germline): Benign/Likely benign. Review status: criteria provided, multiple submitters, no conflicts (2 of 4 stars). 6 submissions from 6 submitters: Benign (2); Likely benign (4). Last evaluated 2026-02-01.

Conditions:
Acrocallosal syndrome (ACLS). Also called: Schinzel syndrome 1; Absence of corpus callosum with unusual facial appearance, mental deficiency, duplication of the halluces and polydactyly; HALLUX DUPLICATION, POSTAXIAL POLYDACTYLY, AND ABSENCE OF CORPUS CALLOSUM. Identifiers: Orphanet 36, MedGen C0796147, MONDO:0008708, OMIM 200990.

Allele frequency attached by ClinVar (database versions not stated): gnomAD 0.00261; TOPMed 0.00263; ESP Exome Variant Server 0.00317; 1000 Genomes Project 30x 0.00375; 1000 Genomes Project 0.00379.
gnomAD v4.1: 705 of 1,561,890 alleles (0.045%); highest among the groups gnomAD compares: African/African-American, 0.83%; 6 homozygotes.

Submissions (6):

Labcorp Genetics (formerly Invitae), Labcorp
Classification: Benign for Acrocallosal syndrome. Last evaluated: 2026-02-01. Review status: criteria provided, single submitter. Criteria: Invitae Variant Classification Sherloc (09022015). Collection method: clinical testing. Allele origin: germline.

Blueprint Genetics
Classification: Likely benign. Last evaluated: 2024-07-18. Review status: criteria provided, single submitter. Criteria: ACMG Guidelines, 2015. Collection method: clinical testing. Allele origin: germline.

GeneDx
Classification: Likely benign. Last evaluated: 2018-03-09. Review status: criteria provided, single submitter. Criteria: GeneDx Variant Classification (06012015). Collection method: clinical testing. Allele origin: germline. Affected: yes.
Comment: This variant is considered likely benign or benign based on one or more of the following criteria: it is a conservative change, it occurs at a poorly conserved position in the protein, it is predicted to be benign by multiple in silico algorithms, and/or has population frequency not consistent with disease.

Illumina Laboratory Services, Illumina
Classification: Likely benign for Acrocallosal syndrome. Last evaluated: 2018-01-13. Review status: criteria provided, single submitter. Criteria: ICSL Variant Classification Criteria 13 December 2019. Collection method: clinical testing. Allele origin: germline.
Comment: This variant was observed in the ICSL laboratory as part of a predisposition screen in an ostensibly healthy population. It had not been previously curated by ICSL or reported in the Human Gene Mutation Database (HGMD: prior to June 1st, 2018), and was therefore a candidate for classification through an automated scoring system. Utilizing variant allele frequency, disease prevalence and penetrance estimates, and inheritance mode, an automated score was calculated to assess if this variant is too frequent to cause the disease. Based on the score and internal cut-off values, a variant classified as likely benign is not then subjected to further curation. The score for this variant resulted in a classification of likely benign for this disease.

Eurofins Ntd Llc (ga)
Classification: Benign. Last evaluated: 2015-10-26. Review status: criteria provided, single submitter. Criteria: EGL Classification Definitions 2015. Collection method: clinical testing. Allele origin: germline. Observed: 1 variant allele, 1 heterozygote.

Breakthrough Genomics
Classification: Likely benign. Review status: criteria provided, single submitter. Criteria: ACMG Guidelines, 2015. Collection method: not provided. Allele origin: germline. Inheritance: Autosomal recessive inheritance. Affected: yes.

NM_198525.3(KIF7):c.3111+9C>A

Gene: KIF7 (kinesin family member 7; minus strand). Cytogenetic location: 15q26.1.
Variant type: single nucleotide variant.
Coding change: c.3111+9C>A on transcript NM_198525.3 (MANE Select); 9 bases into the intron after coding-DNA position 3111, C replaced by A.
Molecular consequence: intron variant.
Genome position (GRCh38, 1-based): chr15:89,631,486, G>T on the plus strand (C>A on the coding strand, the complement: KIF7 is on the minus strand). VCF-style: chr15-89631486-G-T. GRCh37 (hg19) VCF-style: chr15-90174717-G-T.
Identifiers: ClinVar variation 284025 (VCV000284025.21), dbSNP rs147996726, ClinGen allele CA7727829.